The following is an entry in ClinVar:

NM_145045.5(ODAD3):c.1689GGA[2] (p.Glu565del)

Gene: ODAD3 (outer dynein arm docking complex subunit 3; minus strand). Cytogenetic location: 19p13.2.
Variant type: Microsatellite.
Coding change: c.1689GGA[2] on transcript NM_145045.5 (MANE Select); two copies in a row of the 3-base unit GGA starting at c.1689; the reference has three copies in a row; one copy, 3 bases deleted.
Protein change: p.Glu565del; deletes glutamic acid 565.
Molecular consequence: inframe deletion.
Genome position (GRCh38, 1-based): chr19:11,420,926-11,420,928, TCC deleted on the plus strand (GGA on the coding strand, the reverse complement: ODAD3 is on the minus strand); deleting any 3 consecutive bases within chr19:11,420,926-11,420,936 gives the same sequence; the position shown is the placement nearest the transcript's 3' end. VCF-style (leftmost placement, unchanged base first): chr19-11420925-GTCC-G. GRCh37 (hg19) VCF-style: chr19-11531593-GTCC-G.
Other names: c.1527GGA[2], p.Glu511del (NM_001302453.1); c.1509GGA[2], p.Glu505del (NM_001302454.2); short protein forms E505del, E511del, E565del.
Identifiers: ClinVar variation 1682754 (VCV001682754.6), dbSNP rs771032462, ClinGen allele CA9211925.

ClinVar aggregate classification (germline): Uncertain significance (1 of 4 stars; one submission).

Conditions:
Primary ciliary dyskinesia 30. Also called: CILIARY DYSKINESIA, PRIMARY, 30, WITH OR WITHOUT SITUS INVERSUS. Identifiers: Orphanet 244, MedGen C4015016, MONDO:0014465, OMIM 616037.

Submission:

Labcorp Genetics (formerly Invitae), Labcorp
Classification: Uncertain significance for Primary ciliary dyskinesia 30. Last evaluated: 2021-11-27. Review status: criteria provided, single submitter. Criteria: Invitae Variant Classification Sherloc (09022015). Collection method: clinical testing. Allele origin: germline.
Comment: This variant, c.1695_1697del, results in the deletion of 1 amino acid(s) of the CCDC151 protein (p.Glu565del), but otherwise preserves the integrity of the reading frame. This variant is present in population databases (rs771032462, gnomAD 0.02%). This variant has not been reported in the literature in individuals affected with CCDC151-related conditions. Experimental studies and prediction algorithms are not available or were not evaluated, and the functional significance of this variant is currently unknown. In summary, the available evidence is currently insufficient to determine the role of this variant in disease. Therefore, it has been classified as a Variant of Uncertain Significance.